The following is an entry in ClinVar:

NM_133171.5(ELMO2):c.1186A>G (p.Ser396Gly)

Gene: ELMO2 (engulfment and cell motility 2; minus strand). Cytogenetic location: 20q13.12.
Variant type: single nucleotide variant.
Coding change: c.1186A>G on transcript NM_133171.5 (MANE Select); coding-DNA position 1186, A replaced by G.
Protein change: p.Ser396Gly; replaces serine 396 with glycine.
Molecular consequence: missense variant.
Genome position (GRCh38, 1-based): chr20:46,374,425, T>C on the plus strand (A>G on the coding strand, the complement: ELMO2 is on the minus strand). VCF-style: chr20-46374425-T-C. GRCh37 (hg19) VCF-style: chr20-45003064-T-C.
Other names: c.922A>G, p.Ser308Gly (NM_001318253.2); c.1186A>G, p.Ser396Gly (NM_182764.3); short protein forms S308G, S396G.
Identifiers: ClinVar variation 2283843 (VCV002283843.3), dbSNP rs1427567051, ClinGen allele CA409251870.
Genomic context (GRCh38, chr20:46,374,425, plus strand): 5'-TTTTGGTGAGCTCAATGGCACTGCGGCCAAAGGGGCATTCATGTTTGTCTTCCCGGCTAC[T>C]GTTCTCCAAGACAATCTGTCGGGGGAAGAGAAAGGGAGGATTAGGGAGATGAAGGAGGAA-3'
Protein context (NP_573403.1, residues 386-406): DTYIRIVLEN[Ser396Gly]SREDKHECPF

ClinVar aggregate classification (germline): Uncertain significance. Review status: criteria provided, multiple submitters, no conflicts (2 of 4 stars). 2 submissions from 2 submitters: Uncertain significance (2). Last evaluated 2025-02-26.

Conditions:
Inborn genetic diseases. Identifiers: MedGen C0950123, MeSH D030342.
Primary intraosseous venous malformation. Also called: HEMANGIOMA, INTRAOSSEOUS; VASCULAR MALFORMATION OSSEOUS; Vascular malformation, primary intraosseous. Identifiers: Orphanet 140436, MedGen C1847197, MONDO:0011744, OMIM 606893.

Allele frequency attached by ClinVar (database versions not stated): gnomAD 0.00001; TOPMed 0.00002.
gnomAD v4.1: 4 of 1,614,046 alleles (0.00025%); highest among the groups gnomAD compares: African/African-American, 0.0053%; no homozygotes.

Submissions (2):

Clinical Genomics Laboratory, Washington University in St. Louis
Classification: Uncertain significance for Primary intraosseous venous malformation. Last evaluated: 2025-02-26. Review status: criteria provided, single submitter. Criteria: ACMG Guidelines, 2015. Collection method: clinical testing. Allele origin: germline.
Comment: An ELMO2 c.1186A>G (p.Ser396Gly) variant was identified at a near heterozygous allelic fraction of 48.6%, a frequency which may be consistent with germline origin. This variant, to our knowledge, has not been reported in the medical literature but has been reported in the ClinVar database as a germline variant of uncertain significance by one submitter (ClinVar variation ID: 2283843). This variant is only observed on 4/1,614,046 alleles in the general population (gnomAD v.4.1.0), indicating it is not a common variant. Computational predictors are uncertain as to the impact of this variant on ELMO2 function. Due to limited information, and based on ACMG/AMP guidelines for variant interpretation (Richards S et al., PMID: 25741868), the clinical significance of this variant is uncertain at this time.

Ambry Genetics
Classification: Uncertain significance for Inborn genetic diseases. Last evaluated: 2022-04-13. Review status: criteria provided, single submitter. Criteria: Ambry Variant Classification Scheme 2023. Collection method: clinical testing. Allele origin: germline.